The following is an entry in ClinVar:

NM_002700.3(POU4F3):c.406G>A (p.Glu136Lys)

Genes: POU4F3 (POU class 4 homeobox 3; plus strand), RBM27-POU4F3 (RBM27-POU4F3 readthrough; plus strand). Cytogenetic location: 5q32.
Variant type: single nucleotide variant.
Coding change: c.406G>A on transcript NM_002700.3 (MANE Select); coding-DNA position 406, G replaced by A.
Protein change: p.Glu136Lys; replaces glutamic acid 136 with lysine.
Molecular consequence: missense variant. On other transcripts: 3 prime UTR variant (1).
Genome position (GRCh38, 1-based): chr5:146,339,833, G>A. VCF-style: chr5-146339833-G-A. GRCh37 (hg19) VCF-style: chr5-145719396-G-A.
Other names: c.*275G>A (NM_001414499.1); short protein forms E136K.
Identifiers: ClinVar variation 2323944 (VCV002323944.3), dbSNP rs771471183, ClinGen allele CA3491123.

ClinVar aggregate classification (germline): Uncertain significance. Review status: criteria provided, multiple submitters, no conflicts (2 of 4 stars). 2 submissions from 2 submitters: Uncertain significance (2). Last evaluated 2022-11-15.

Conditions:
Inborn genetic diseases. Identifiers: MedGen C0950123, MeSH D030342.

Allele frequency attached by ClinVar (database versions not stated): gnomAD exomes below 0.00001; gnomAD 0.00001; ExAC 0.00002; TOPMed 0.00002.

Submissions (2):

GeneDx
Classification: Uncertain significance. Last evaluated: 2022-11-15. Review status: criteria provided, single submitter. Criteria: GeneDx Variant Classification Process June 2021. Collection method: clinical testing. Allele origin: germline. Affected: yes.
Comment: In silico analysis supports that this missense variant does not alter protein structure/function; Has not been previously published as pathogenic or benign to our knowledge

Ambry Genetics
Classification: Uncertain significance for Inborn genetic diseases. Last evaluated: 2022-11-08. Review status: criteria provided, single submitter. Criteria: Ambry Variant Classification Scheme 2023. Collection method: clinical testing. Allele origin: germline.